The following is an entry in ClinVar:

ClinVar aggregate classification (germline): Benign/Likely benign. Review status: criteria provided, multiple submitters, no conflicts (2 of 4 stars). 4 submissions from 4 submitters: Benign (2); Likely benign (1). 1 of the submissions does not count toward it. Last evaluated 2026-09-01.

Conditions:
NCAPG2-related disorder. Also called: NCAPG2-related condition.

Allele frequency attached by ClinVar (database versions not stated): 1000 Genomes Project 30x 0.00109; 1000 Genomes Project 0.00120; ExAC 0.00320; gnomAD exomes 0.00321 and 0.00617; TOPMed 0.00373; gnomAD 0.00389 and 0.00391; ESP Exome Variant Server 0.00437.
gnomAD v4.1: 9,602 of 1,611,062 alleles (0.6%); highest among the groups gnomAD compares: Non-Finnish European, 0.75%; 39 homozygotes.

Submissions (4):

CeGaT Center for Human Genetics Tuebingen
Classification: Likely benign. Last evaluated: 2026-09-01. Review status: criteria provided, single submitter. Criteria: CeGaT Center For Human Genetics Tuebingen Variant Classification Criteria Version 2. Collection method: clinical testing. Allele origin: germline. Affected: yes. Observed: 14 variant alleles.
Comment: NCAPG2: PP2, BP4, BS2

Labcorp Genetics (formerly Invitae), Labcorp
Classification: Benign. Last evaluated: 2019-12-31. Review status: criteria provided, single submitter. Criteria: Invitae Variant Classification Sherloc (09022015). Collection method: clinical testing. Allele origin: germline.

Breakthrough Genomics
Classification: Benign. Review status: criteria provided, single submitter. Criteria: ACMG Guidelines, 2015. Collection method: not provided. Allele origin: germline. Inheritance: Autosomal recessive inheritance. Affected: yes.

PreventionGenetics, part of Exact Sciences
Classification: Likely benign for NCAPG2-related condition. Last evaluated: 2019-06-17. Review status: no assertion criteria provided. Collection method: clinical testing. Allele origin: germline. Not counted in ClinVar's aggregate classification.
Comment: This variant is classified as likely benign based on ACMG/AMP sequence variant interpretation guidelines (Richards et al. 2015 PMID: 25741868, with internal and published modifications).

NM_017760.7(NCAPG2):c.1165T>C (p.Tyr389His)

Gene: NCAPG2 (non-SMC condensin II complex subunit G2; minus strand). Cytogenetic location: 7q36.3.
Variant type: single nucleotide variant.
Coding change: c.1165T>C on transcript NM_017760.7 (MANE Select); coding-DNA position 1165, T replaced by C.
Protein change: p.Tyr389His; replaces tyrosine 389 with histidine.
Molecular consequence: missense variant.
Genome position (GRCh38, 1-based): chr7:158,675,638, A>G on the plus strand (T>C on the coding strand, the complement: NCAPG2 is on the minus strand). VCF-style: chr7-158675638-A-G. GRCh37 (hg19) VCF-style: chr7-158468330-A-G.
Other names: c.1165T>C, p.Tyr389His (NM_001281932.2, NM_001281933.2); short protein forms Y389H.
Identifiers: ClinVar variation 790358 (VCV000790358.29), dbSNP rs61752309, ClinGen allele CA4592898.